The following is an entry in ClinVar:

ClinVar aggregate classification (germline): Likely benign (1 of 4 stars; one submission).

Allele frequency attached by ClinVar (database versions not stated): TOPMed 0.00003; ExAC 0.00004; gnomAD 0.00005.
gnomAD v4.1: 14 of 1,562,230 alleles (0.0009%); highest among the groups gnomAD compares: Middle Eastern, 0.017%; no homozygotes.

Submission:

CeGaT Center for Human Genetics Tuebingen
Classification: Likely benign. Last evaluated: 2022-07-01. Review status: criteria provided, single submitter. Criteria: CeGaT Center For Human Genetics Tuebingen Variant Classification Criteria Version 2. Collection method: clinical testing. Allele origin: germline. Affected: yes. Observed: 1 variant allele.
Comment: ZMYND8: BP4, BP7

NM_001281775.3(ZMYND8):c.3435C>T (p.Gly1145=)

Gene: ZMYND8 (zinc finger MYND-type containing 8; minus strand). Cytogenetic location: 20q13.12.
Variant type: single nucleotide variant.
Coding change: c.3435C>T on transcript NM_001281775.3 (MANE Select); coding-DNA position 3435, C replaced by T.
Protein change: p.Gly1145=; no amino-acid change (glycine 1145 retained).
Molecular consequence: synonymous variant.
Genome position (GRCh38, 1-based): chr20:47,220,307, G>A on the plus strand (C>T on the coding strand, the complement: ZMYND8 is on the minus strand). VCF-style: chr20-47220307-G-A. GRCh37 (hg19) VCF-style: chr20-45848958-G-A.
Other names: c.2979C>T, p.Gly993= (NM_001281771.3); c.3375C>T, p.Gly1125= (NM_001281772.3, NM_001281773.3, NM_001363741.2); c.3237C>T, p.Gly1079= (NM_001281774.3); c.3054C>T, p.Gly1018= (NM_001281776.3); c.3222C>T, p.Gly1074= (NM_001281777.3, NM_183048.4); c.3360C>T, p.Gly1120= (NM_001281778.3); c.2493C>T, p.Gly831= (NM_001281779.3, NM_001281780.3); c.3081C>T, p.Gly1027= (NM_001281781.3); and 5 more.
Identifiers: ClinVar variation 2652373 (VCV002652373.24), dbSNP rs761177246, ClinGen allele CA9893107.